The following is an entry in ClinVar:

ClinVar aggregate classification (germline): Uncertain significance. Review status: criteria provided, multiple submitters, no conflicts (2 of 4 stars). 3 submissions from 3 submitters: Uncertain significance (3). Last evaluated 2026-01-07.

Conditions:
Brugada syndrome. Also called: Sudden Unexplained Death Syndrome; Sudden Unexplained Nocturnal Death Syndrome (SUNDS); Sudden unexpected nocturnal death syndrome; Sudden unexplained nocturnal death syndrome. Identifiers: Orphanet 130, MedGen C1142166, MONDO:0015263.
Cardiovascular phenotype. Identifiers: MedGen CN230736.

Allele frequency attached by ClinVar (database versions not stated): gnomAD exomes below 0.00001; TOPMed below 0.00001; gnomAD 0.00001.
gnomAD v4.1: 2 of 1,613,792 alleles (0.00012%); highest among the groups gnomAD compares: Non-Finnish European, 0.00017%; no homozygotes.

Submissions (3):

Labcorp Genetics (formerly Invitae), Labcorp
Classification: Uncertain significance for Brugada syndrome. Last evaluated: 2026-01-07. Review status: criteria provided, single submitter. Criteria: Invitae Variant Classification Sherloc (09022015). Collection method: clinical testing. Allele origin: germline.
Comment: This sequence change replaces proline, which is neutral and non-polar, with arginine, which is basic and polar, at codon 481 of the SCN10A protein (p.Pro481Arg). This variant is present in population databases (no rsID available, gnomAD 0.0009%). This variant has not been reported in the literature in individuals affected with SCN10A-related conditions. ClinVar contains an entry for this variant (Variation ID: 1772726). Invitae Evidence Modeling of protein sequence and biophysical properties (such as structural, functional, and spatial information, amino acid conservation, physicochemical variation, residue mobility, and thermodynamic stability) indicates that this missense variant is not expected to disrupt SCN10A protein function with a negative predictive value of 80%. In summary, the available evidence is currently insufficient to determine the role of this variant in disease. Therefore, it has been classified as a Variant of Uncertain Significance.

Women's Health and Genetics/Laboratory Corporation of America, LabCorp
Classification: Uncertain significance. Last evaluated: 2024-06-24. Review status: criteria provided, single submitter. Criteria: LabCorp Variant Classification Summary - May 2015. Collection method: clinical testing. Allele origin: germline.

Ambry Genetics
Classification: Uncertain significance for Cardiovascular phenotype. Last evaluated: 2021-11-24. Review status: criteria provided, single submitter. Criteria: Ambry Variant Classification Scheme 2023. Collection method: clinical testing. Allele origin: germline.
Comment: The p.P481R variant (also known as c.1442C>G), located in coding exon 10 of the SCN10A gene, results from a C to G substitution at nucleotide position 1442. The proline at codon 481 is replaced by arginine, an amino acid with dissimilar properties. This amino acid position is conserved. In addition, this alteration is predicted to be tolerated by in silico analysis. Since supporting evidence is limited at this time, the clinical significance of this alteration remains unclear.

NM_006514.4(SCN10A):c.1442C>G (p.Pro481Arg)

Gene: SCN10A (sodium voltage-gated channel alpha subunit 10; minus strand). Cytogenetic location: 3p22.2.
Variant type: single nucleotide variant.
Coding change: c.1442C>G on transcript NM_006514.4 (MANE Select); coding-DNA position 1442, C replaced by G.
Protein change: p.Pro481Arg; replaces proline 481 with arginine.
Molecular consequence: missense variant.
Genome position (GRCh38, 1-based): chr3:38,755,807, G>C on the plus strand (C>G on the coding strand, the complement: SCN10A is on the minus strand). VCF-style: chr3-38755807-G-C. GRCh37 (hg19) VCF-style: chr3-38797298-G-C.
Other names: c.1442C>G, p.Pro481Arg (NM_001293306.2, NM_001293307.2); short protein forms P481R.
Identifiers: ClinVar variation 1772726 (VCV001772726.8), dbSNP rs1259053793, ClinGen allele CA352168731.